The following is an entry in ClinVar:

NM_016604.4(KDM3B):c.4414C>T (p.Arg1472Ter)

Gene: KDM3B (lysine demethylase 3B; plus strand). Cytogenetic location: 5q31.2.
Variant type: single nucleotide variant.
Coding change: c.4414C>T on transcript NM_016604.4 (MANE Select); coding-DNA position 4414, C replaced by T.
Protein change: p.Arg1472Ter; replaces arginine 1472 with a stop codon.
Molecular consequence: nonsense.
Genome position (GRCh38, 1-based): chr5:138,426,977, C>T. VCF-style: chr5-138426977-C-T. GRCh37 (hg19) VCF-style: chr5-137762666-C-T.
Other names: c.4414C>T (NM_016604.3); short protein forms R1472*.
Identifiers: ClinVar variation 1700099 (VCV001700099.4), dbSNP rs1561796122, ClinGen allele CA361093312.

ClinVar aggregate classification (germline): Likely pathogenic. Review status: criteria provided, multiple submitters, no conflicts (2 of 4 stars). 3 submissions from 3 submitters: Likely pathogenic (2). 1 of the submissions does not count toward it. Last evaluated 2026-01-16.

Conditions:
KDM3B-related disorder. Also called: KDM3B-related condition.
Neurodevelopmental delay. Identifiers: MedGen C4022738, HP:0012758.

Allele frequency attached by ClinVar (database versions not stated): gnomAD exomes below 0.00001.
gnomAD v4.1: 1 of 1,613,232 alleles (0.000062%); highest among the groups gnomAD compares: East Asian, 0.0022%; no homozygotes.

Submissions (3):

GeneDx
Classification: Likely pathogenic. Last evaluated: 2026-01-16. Review status: criteria provided, single submitter. Criteria: GeneDx Variant Classification Process June 2021. Collection method: clinical testing. Allele origin: germline.
Comment: Nonsense variant predicted to result in protein truncation or nonsense mediated decay in a gene for which loss of function is a known mechanism of disease; Has not been previously published as pathogenic or benign to our knowledge

Centre de Biologie Pathologie Génétique, Centre Hospitalier Universitaire de Lille
Classification: Likely pathogenic for Neurodevelopmental delay. Review status: criteria provided, single submitter. Criteria: ACMG Guidelines, 2015. Collection method: clinical testing. Allele origin: inherited. Affected: yes.

PreventionGenetics, part of Exact Sciences
Classification: Likely pathogenic for KDM3B-related condition. Last evaluated: 2024-04-18. Review status: no assertion criteria provided. Collection method: clinical testing. Allele origin: germline. Not counted in ClinVar's aggregate classification.
Comment: The KDM3B c.4414C>T variant is predicted to result in premature protein termination (p.Arg1472*). To our knowledge, this variant has not been reported in the literature. This variant is reported in 0.064% (1/31,372) of alleles in individuals of East Asian descent in gnomAD. Nonsense variants in KDM3B are expected to be pathogenic and have been reported upstream and downstream of the c.4414C>T variant. This variant is interpreted as likely pathogenic.